The following is an entry in ClinVar:

ClinVar aggregate classification (germline): Likely benign (0 of 4 stars; one submission).

Conditions:
CNR1-related disorder. Also called: CNR1-related condition.

Allele frequency attached by ClinVar (database versions not stated): TOPMed 0.00001; ExAC 0.00002; gnomAD 0.00002.
gnomAD v4.1: 32 of 1,614,088 alleles (0.002%); highest among the groups gnomAD compares: Middle Eastern, 0.016%; no homozygotes.

Submission:

PreventionGenetics, part of Exact Sciences
Classification: Likely benign for CNR1-related condition. Last evaluated: 2019-05-02. Review status: no assertion criteria provided. Collection method: clinical testing. Allele origin: germline.
Comment: This variant is classified as likely benign based on ACMG/AMP sequence variant interpretation guidelines (Richards et al. 2015 PMID: 25741868, with internal and published modifications).

NM_016083.6(CNR1):c.744C>T (p.Ala248=)

Gene: CNR1 (cannabinoid receptor 1; minus strand). Cytogenetic location: 6q15.
Variant type: single nucleotide variant.
Coding change: c.744C>T on transcript NM_016083.6 (MANE Select); coding-DNA position 744, C replaced by T.
Protein change: p.Ala248=; no amino-acid change (alanine 248 retained).
Molecular consequence: synonymous variant.
Genome position (GRCh38, 1-based): chr6:88,144,531, G>A on the plus strand (C>T on the coding strand, the complement: CNR1 is on the minus strand). VCF-style: chr6-88144531-G-A. GRCh37 (hg19) VCF-style: chr6-88854250-G-A.
Other names: c.744C>T, p.Ala248= (NM_001160226.3, NM_001160258.3, NM_001160259.3 and 12 more transcripts); c.645C>T, p.Ala215= (NM_033181.4).
Identifiers: ClinVar variation 3037397 (VCV003037397.2), dbSNP rs762643235, ClinGen allele CA3918158.